The following is an entry in ClinVar:

NM_004304.5(ALK):c.3667A>T (p.Met1223Leu)

Gene: ALK (ALK receptor tyrosine kinase; minus strand). Cytogenetic location: 2p23.2.
Variant type: single nucleotide variant.
Coding change: c.3667A>T on transcript NM_004304.5 (MANE Select); coding-DNA position 3667, A replaced by T.
Protein change: p.Met1223Leu; replaces methionine 1223 with leucine.
Molecular consequence: missense variant.
Genome position (GRCh38, 1-based): chr2:29,214,060, T>A on the plus strand (A>T on the coding strand, the complement: ALK is on the minus strand). VCF-style: chr2-29214060-T-A. GRCh37 (hg19) VCF-style: chr2-29436926-T-A.
Other names: c.463A>T, p.Met155Leu (NM_001353765.2); short protein forms M1223L, M155L.
Identifiers: ClinVar variation 648001 (VCV000648001.9), dbSNP rs1573108993, ClinGen allele CA346471595.
Genomic context (GRCh38, chr2:29,214,060, plus strand): 5'-TTTCCTCCAAATACTGACAGCCACAGGCAATGTCCCGAGCCACGTGCAGAAGGTCCAGCA[T>A]GGCCAGGGAGGAGGGCTGGCTCTGTGGGGAGACAGAAGCGGGCCACTGACGAGGAGCTTG-3'
Protein context (NP_004295.2, residues 1213-1233): PRPSQPSSLA[Met1223Leu]LDLLHVARDI

ClinVar aggregate classification (germline): Uncertain significance. Review status: criteria provided, multiple submitters, no conflicts (2 of 4 stars). 2 submissions from 2 submitters: Uncertain significance (2). Last evaluated 2025-10-29.

Conditions:
Hereditary cancer-predisposing syndrome. Also called: Hereditary Cancer Syndrome; Tumor predisposition; Neoplastic Syndromes, Hereditary; Hereditary neoplastic syndrome. Identifiers: Orphanet 140162, MedGen C0027672, MeSH D009386, MONDO:0015356.
Neuroblastoma, susceptibility to, 3. Also called: ALK-Related Neuroblastic Tumor Susceptibility. Identifiers: Orphanet 635, MedGen C2751681, MONDO:0013083, OMIM 613014.

Submissions (2):

Labcorp Genetics (formerly Invitae), Labcorp
Classification: Uncertain significance for Neuroblastoma, susceptibility to, 3. Last evaluated: 2025-10-29. Review status: criteria provided, single submitter. Criteria: Invitae Variant Classification Sherloc (09022015). Collection method: clinical testing. Allele origin: germline.
Comment: This sequence change replaces methionine, which is neutral and non-polar, with leucine, which is neutral and non-polar, at codon 1223 of the ALK protein (p.Met1223Leu). This variant is not present in population databases (gnomAD no frequency). This variant has not been reported in the literature in individuals affected with ALK-related conditions. ClinVar contains an entry for this variant (Variation ID: 648001). An algorithm developed to predict the effect of missense changes on protein structure and function (PolyPhen-2) suggests that this variant is likely to be disruptive. In summary, the available evidence is currently insufficient to determine the role of this variant in disease. Therefore, it has been classified as a Variant of Uncertain Significance.

Ambry Genetics
Classification: Uncertain significance for Hereditary cancer-predisposing syndrome. Last evaluated: 2023-11-06. Review status: criteria provided, single submitter. Criteria: Ambry Variant Classification Scheme 2023. Collection method: clinical testing. Allele origin: germline.
Comment: The p.M1223L variant (also known as c.3667A>T), located in coding exon 24 of the ALK gene, results from an A to T substitution at nucleotide position 3667. The methionine at codon 1223 is replaced by leucine, an amino acid with highly similar properties. This amino acid position is conserved. In addition, the in silico prediction for this alteration is inconclusive. Since supporting evidence is limited at this time, the clinical significance of this alteration remains unclear.